The following is an entry in ClinVar:

ClinVar aggregate classification (germline): Uncertain significance (1 of 4 stars; one submission).

gnomAD v4.1: 1 of 1,612,796 alleles (0.000062%); highest among the groups gnomAD compares: Admixed American, 0.0017%; no homozygotes.

Submission:

Women's Health and Genetics/Laboratory Corporation of America, LabCorp
Classification: Uncertain significance. Last evaluated: 2025-06-26. Review status: criteria provided, single submitter. Criteria: LabCorp Variant Classification Summary - May 2015. Collection method: clinical testing. Allele origin: germline.
Comment: Variant summary: COL12A1 c.5477T>C (p.Leu1826Pro) results in a non-conservative amino acid change in the encoded protein sequence. Algorithms developed to predict the effect of missense changes on protein structure and function are either unavailable or do not agree on the potential impact of this missense change. The variant allele was found at a frequency of 4e-06 in 249412 control chromosomes. The available data on variant occurrences in the general population are insufficient to allow any conclusion about variant significance. To our knowledge, no occurrence of c.5477T>C in individuals affected with Ullrich congenital muscular dystrophy or Bethlem myopathy and no experimental evidence demonstrating its impact on protein function have been reported. No submitters have cited clinical-significance assessments for this variant to ClinVar. Based on the evidence outlined above, the variant was classified as uncertain significance.

NM_004370.6(COL12A1):c.5477T>C (p.Leu1826Pro)

Gene: COL12A1 (collagen type XII alpha 1 chain; minus strand). Cytogenetic location: 6q13.
Variant type: single nucleotide variant.
Coding change: c.5477T>C on transcript NM_004370.6 (MANE Select); coding-DNA position 5477, T replaced by C.
Protein change: p.Leu1826Pro; replaces leucine 1826 with proline.
Molecular consequence: missense variant.
Genome position (GRCh38, 1-based): chr6:75,134,773, A>G on the plus strand (T>C on the coding strand, the complement: COL12A1 is on the minus strand). VCF-style: chr6-75134773-A-G. GRCh37 (hg19) VCF-style: chr6-75844489-A-G.
Other names: c.5477T>C, p.Leu1826Pro (NM_001424113.1); c.5456T>C, p.Leu1819Pro (NM_001424114.1); c.5204T>C, p.Leu1735Pro (NM_001424115.1); c.1985T>C, p.Leu662Pro (NM_001424116.1, NM_080645.3); short protein forms L1735P, L1819P, L1826P, L662P.
Identifiers: ClinVar variation 3907528 (VCV003907528.1).
Genomic context (GRCh38, chr6:75,134,773, plus strand): 5'-AGGTTTCACTTACTGGTCTTGCCTCTTCCCGTCATCCGACCTCCTTCACCATCAGGATAC[A>G]GAGAGGATACGGTGATAGTGTAAGGAGTGTCTGGCTTCAGTTTCTGCAGGACCACACTGT-3'
Protein context (NP_004361.3, residues 1816-1836): DTPYTITVSS[Leu1826Pro]YPDGEGGRMT